The following is an entry in ClinVar:

ClinVar aggregate classification (germline): Likely benign (1 of 4 stars; one submission).

Conditions:
Hao-Fountain syndrome due to USP7 mutation. Also called: USP7-Related Hao Fountain Syndrome. Identifiers: Orphanet 643538, MedGen C5816734, MONDO:0958071, OMIM 616863.

Submission:

Centre for Medical Genetics,  Mumbai
Classification: Likely benign for Hao-Fountain syndrome due to USP7 mutation. Last evaluated: 2026-03-07. Review status: criteria provided, single submitter. Criteria: ACMG Guidelines, 2015. Collection method: provider interpretation. Allele origin: germline. Inheritance: Autosomal dominant inheritance. Affected: no. Observed: 1 variant allele, 1 heterozygote.
Comment: The variant satisfies PM2 criteria; Extremely low frequency in gnomAD population databases. The variant satisfies PP2 criteria; Missense variant in a gene with low rate of benign missense mutations and for which missense mutation is a common mechanism of a disease. The variant satisfies PP3 criteria; For a missense or a splicing region variant, computational prediction tools unanimously support a deleterious effect on the gene. However, the variant satisfies BS2 criteria.

Literature cited by the submitters: PubMed 26365382.

NM_003470.3(USP7):c.383C>T (p.Thr128Met)

Gene: USP7 (ubiquitin specific peptidase 7; minus strand). Cytogenetic location: 16p13.2.
Variant type: single nucleotide variant.
Coding change: c.383C>T on transcript NM_003470.3 (MANE Select); coding-DNA position 383, C replaced by T.
Protein change: p.Thr128Met; replaces threonine 128 with methionine.
Molecular consequence: missense variant. On other transcripts: non-coding transcript variant (1).
Genome position (GRCh38, 1-based): chr16:8,923,215, G>A on the plus strand (C>T on the coding strand, the complement: USP7 is on the minus strand). VCF-style: chr16-8923215-G-A. GRCh37 (hg19) VCF-style: chr16-9017072-G-A.
Other names: c.335C>T, p.Thr112Met (NM_001286457.2); c.86C>T, p.Thr29Met (NM_001286458.2); c.209C>T, p.Thr70Met (NM_001321858.2); short protein forms T112M, T128M, T29M, T70M.
Identifiers: ClinVar variation 4814237 (VCV004814237.1).
Genomic context (GRCh38, chr16:8,923,215, plus strand): 5'-TAAGATAAAATTGCACTAGGCTGATCAAATTTGGCTTCCAGTAATGAAATACTGTCTTAC[G>A]TGGAATCAGATTCAGCATTGCACTGGAGAAAGAATCCTACGCTTTTTTGGTGTGGTCTGT-3'
Protein context (NP_003461.2, residues 118-138): FLQCNAESDS[Thr128Met]SWSCHAQAVL